The following is an entry in ClinVar:

ClinVar aggregate classification (germline): Uncertain significance. Review status: criteria provided, multiple submitters, no conflicts (2 of 4 stars). 2 submissions from 2 submitters: Uncertain significance (2). Last evaluated 2022-08-21.

Conditions:
Congenital heart defects, dysmorphic facial features, and intellectual developmental disorder (CHDFIDD). Identifiers: Orphanet 646278, MedGen C4479246, MONDO:0044302, OMIM 617360.

Submissions (2):

Labcorp Genetics (formerly Invitae), Labcorp
Classification: Uncertain significance. Last evaluated: 2022-08-21. Review status: criteria provided, single submitter. Criteria: Invitae Variant Classification Sherloc (09022015). Collection method: clinical testing. Allele origin: germline.
Comment: This variant has not been reported in the literature in individuals affected with CDK13-related conditions. ClinVar contains an entry for this variant (Variation ID: 1028149). Algorithms developed to predict the effect of missense changes on protein structure and function are either unavailable or do not agree on the potential impact of this missense change (SIFT: "Deleterious"; PolyPhen-2: "Probably Damaging"; Align-GVGD: "Class C0"). In summary, the available evidence is currently insufficient to determine the role of this variant in disease. Therefore, it has been classified as a Variant of Uncertain Significance. This variant is not present in population databases (gnomAD no frequency). This sequence change replaces glutamic acid, which is acidic and polar, with glycine, which is neutral and non-polar, at codon 1468 of the CDK13 protein (p.Glu1468Gly).

Baylor Genetics
Classification: Uncertain significance for Congenital heart defects, dysmorphic facial features, and intellectual developmental disorder. Last evaluated: 2019-05-04. Review status: criteria provided, single submitter. Criteria: ACMG Guidelines, 2015. Collection method: clinical testing. Allele origin: paternal. Affected: yes.
Comment: This variant was determined to be of uncertain significance according to ACMG Guidelines, 2015 [PMID:25741868].

NM_003718.5(CDK13):c.4403A>G (p.Glu1468Gly)

Gene: CDK13 (cyclin dependent kinase 13; plus strand). Cytogenetic location: 7p14.1.
Variant type: single nucleotide variant.
Coding change: c.4403A>G on transcript NM_003718.5 (MANE Select); coding-DNA position 4403, A replaced by G.
Protein change: p.Glu1468Gly; replaces glutamic acid 1468 with glycine.
Molecular consequence: missense variant.
Genome position (GRCh38, 1-based): chr7:40,094,844, A>G. VCF-style: chr7-40094844-A-G. GRCh37 (hg19) VCF-style: chr7-40134443-A-G.
Other names: c.4223A>G, p.Glu1408Gly (NM_031267.4); short protein forms E1408G, E1468G.
Identifiers: ClinVar variation 1028149 (VCV001028149.6), dbSNP rs1787010564, ClinGen allele CA367297112.